The following is an entry in ClinVar:

ClinVar aggregate classification (germline): Uncertain significance (1 of 4 stars; one submission).

Allele frequency attached by ClinVar (database versions not stated): gnomAD exomes 0.00004 and 0.00008; ExAC 0.00007; ESP Exome Variant Server 0.00008; gnomAD 0.00018 and 0.00019; TOPMed 0.00025.
gnomAD v4.1: 85 of 1,612,828 alleles (0.0053%); highest among the groups gnomAD compares: African/African-American, 0.064%; no homozygotes.

Submission:

Laboratory for Molecular Medicine, Mass General Brigham Personalized Medicine
Classification: Uncertain significance. Last evaluated: 2013-09-12. Review status: criteria provided, single submitter. Criteria: LMM Criteria. Collection method: clinical testing. Allele origin: germline. Observed: 1 variant allele.
Comment: The Arg3542Gln variant in TTN has not been reported in individuals with cardiomy opathy or been previously identified by our laboratory. This variant has been id entified in 1/4406 African American chromosomes by the NHLBI Exome Sequencing Pr oject (dbSNP rs141926114). Computational anal yses are limited for this variant. Additional information is needed to fully ass ess the clinical significance of the Arg3542Gln variant.

NM_133379.5(TTN):c.10625G>A (p.Arg3542Gln)

Gene: TTN (titin; minus strand). Cytogenetic location: 2q31.2.
Variant type: single nucleotide variant.
Coding change: c.10625G>A on transcript NM_133379.5; coding-DNA position 10625, G replaced by A.
Protein change: p.Arg3542Gln; replaces arginine 3542 with glutamine.
Molecular consequence: missense variant. On other transcripts: intron variant (6).
Genome position (GRCh38, 1-based): chr2:178,751,775, C>T on the plus strand (G>A on the coding strand, the complement: TTN is on the minus strand). VCF-style: chr2-178751775-C-T. GRCh37 (hg19) VCF-style: chr2-179616502-C-T.
Other names: c.10222+1349G>A (NM_003319.4); c.10798+1349G>A (NM_133437.4); c.10597+1349G>A (NM_133432.3); c.10360+1349G>A (NM_133378.4, NM_001256850.1); c.11311+1349G>A (NM_001267550.2); short protein forms R3542Q.
Identifiers: ClinVar variation 166285 (VCV000166285.5), dbSNP rs141926114, ClinGen allele CA179165.
Genomic context (GRCh38, chr2:178,751,775, plus strand): 5'-GAGTGATGGTGTAAATCACTCTCAGCTTTTATAATCCGACGAAGACCTGTTGGGATGGGC[C>T]GATTGTTATGAAACCAAGTCATTTCTGGAGTTGGACAGGCAATTAATCTACATGTAAAAA-3'